The following is an entry in ClinVar:

NM_001009944.3(PKD1):c.11156+1G>T

Genes: PKD1 (polycystin 1, transient receptor potential channel interacting; minus strand), PKD1-AS1 (PKD1 antisense RNA 1; plus strand). Cytogenetic location: 16p13.3.
Variant type: single nucleotide variant.
Coding change: c.11156+1G>T on transcript NM_001009944.3 (MANE Select); the canonical splice donor site of the intron after coding-DNA position 11156, G replaced by T.
Molecular consequence: splice donor variant. On other transcripts: non-coding transcript variant (1).
Genome position (GRCh38, 1-based): chr16:2,092,953, C>A on the plus strand (G>T on the coding strand, the complement: PKD1 is on the minus strand). VCF-style: chr16-2092953-C-A. GRCh37 (hg19) VCF-style: chr16-2142954-C-A.
Other names: c.11153+1G>T (NM_000296.4); c.11156+1G>T (NM_001009944.2).
Identifiers: ClinVar variation 1328296 (VCV001328296.5), dbSNP rs1596485727, ClinGen allele CA394336665.

ClinVar aggregate classification (germline): Pathogenic/Likely pathogenic. Review status: criteria provided, multiple submitters, no conflicts (2 of 4 stars). 4 submissions from 4 submitters: Pathogenic (1); Likely pathogenic (1). 2 of the submissions do not count toward it. Last evaluated 2026-05-07.

Conditions:
PKD1-related disorder. Also called: PKD1-related condition.
Polycystic kidney disease, adult type (PKD1). Also called: POLYCYSTIC KIDNEY DISEASE, ADULT, TYPE I; Polycystic Kidney Disease 1, Autosomal Dominant; Polycystic kidney disease 1; Polycystic kidney disease 1, severe; Polycystic Kidney, Autosomal Dominant; POLYCYSTIC KIDNEY DISEASE 1 WITH OR WITHOUT POLYCYSTIC LIVER DISEASE. Identifiers: MedGen C3149841, MONDO:0008263, OMIM 173900.

Submissions (4):

PreventionGenetics, part of Exact Sciences
Classification: Likely pathogenic for PKD1-related condition. Last evaluated: 2026-05-07. Review status: criteria provided, single submitter. Criteria: ACMG Guidelines, 2015. Collection method: clinical testing. Allele origin: germline.
Comment: The PKD1 c.11156+1G>T variant is predicted to disrupt the GT donor site and interfere with normal splicing. To our knowledge, this variant has not been reported in the literature or in a large population database (gnomAD), indicating this variant is rare. Variants that disrupt the consensus splice donor site in PKD1 are expected to be pathogenic. This variant is interpreted as likely pathogenic.

Fulgent Genetics
Classification: Pathogenic for Polycystic kidney disease, adult type. Last evaluated: 2021-10-12. Review status: criteria provided, single submitter. Criteria: ACMG Guidelines, 2015. Collection method: clinical testing. Allele origin: unknown.

Joint Genome Diagnostic Labs from Nijmegen and Maastricht, Radboudumc and MUMC+
Classification: Pathogenic. Review status: no assertion criteria provided. Collection method: clinical testing. Allele origin: germline. Affected: yes. Study: VKGL Data-share Consensus. Not counted in ClinVar's aggregate classification.

Laboratory of Diagnostic Genome Analysis, Leiden University Medical Center (LUMC)
Classification: Likely pathogenic. Review status: no assertion criteria provided. Collection method: clinical testing. Allele origin: germline. Affected: yes. Study: VKGL Data-share Consensus. Not counted in ClinVar's aggregate classification.